The following is an entry in ClinVar:

ClinVar aggregate classification (germline): Uncertain significance. Review status: criteria provided, multiple submitters, no conflicts (2 of 4 stars). 2 submissions from 2 submitters: Uncertain significance (2). Last evaluated 2025-10-27.

Conditions:
Cystic fibrosis (CF). Also called: MUCOVISCIDOSIS. Identifiers: Orphanet 586, MedGen C0010674, MONDO:0009061, OMIM 219700. Disease mechanism: loss of function.

gnomAD v4.1: 14 of 1,612,582 alleles (0.00087%); highest among the groups gnomAD compares: South Asian, 0.011%; no homozygotes.

Submissions (2):

3billion
Classification: Uncertain significance for Cystic fibrosis. Last evaluated: 2025-10-27. Review status: criteria provided, single submitter. Criteria: ACMG Guidelines, 2015. Collection method: clinical testing. Allele origin: germline. Affected: yes.
Comment: The variant is observed at an extremely low frequency in the gnomAD v4.1.0 dataset (total allele frequency: <0.001%). Predicted Consequence/Location: Intron variant In silico tools predict the variant to alter splicing and produce an abnormal transcript [SpliceAI: 0.34 (>=0.2, moderate evidence for spliceogenicity)]. The variant has been reported as of uncertain significance (ClinVar ID: VCV001960603). Therefore, this variant is classified as VUS according to the recommendation of ACMG/AMP guideline.

Labcorp Genetics (formerly Invitae), Labcorp
Classification: Uncertain significance for Cystic fibrosis. Last evaluated: 2022-05-19. Review status: criteria provided, single submitter. Criteria: Invitae Variant Classification Sherloc (09022015). Collection method: clinical testing. Allele origin: germline.
Comment: This sequence change falls in intron 24 of the CFTR gene. It does not directly change the encoded amino acid sequence of the CFTR protein. This variant is present in population databases (rs199672530, gnomAD 0.01%). This variant has not been reported in the literature in individuals affected with CFTR-related conditions. Algorithms developed to predict the effect of sequence changes on RNA splicing suggest that this variant may disrupt the consensus splice site. In summary, the available evidence is currently insufficient to determine the role of this variant in disease. Therefore, it has been classified as a Variant of Uncertain Significance.

NM_000492.4(CFTR):c.3964-16T>G

Gene: CFTR (CF transmembrane conductance regulator; plus strand). Cytogenetic location: 7q31.2.
Variant type: single nucleotide variant.
Coding change: c.3964-16T>G on transcript NM_000492.4 (MANE Select); 16 bases into the intron before coding-DNA position 3964, T replaced by G.
Molecular consequence: intron variant.
Genome position (GRCh38, 1-based): chr7:117,664,672, T>G. VCF-style: chr7-117664672-T-G. GRCh37 (hg19) VCF-style: chr7-117304726-T-G.
Identifiers: ClinVar variation 1960603 (VCV001960603.3), dbSNP rs199672530, ClinGen allele CA4451602.